The following is an entry in ClinVar:

NM_000321.3(RB1):c.1940T>C (p.Leu647Pro)

Gene: RB1 (RB transcriptional corepressor 1; plus strand). Cytogenetic location: 13q14.2.
Variant type: single nucleotide variant.
Coding change: c.1940T>C on transcript NM_000321.3 (MANE Select); coding-DNA position 1940, T replaced by C.
Protein change: p.Leu647Pro; replaces leucine 647 with proline.
Molecular consequence: missense variant.
Genome position (GRCh38, 1-based): chr13:48,456,329, T>C. VCF-style: chr13-48456329-T-C. GRCh37 (hg19) VCF-style: chr13-49030465-T-C.
Other names: short protein forms L647P.
Identifiers: ClinVar variation 1347362 (VCV001347362.12), dbSNP rs2138331582, ClinGen allele CA388166227.

ClinVar aggregate classification (germline): Uncertain significance. Review status: criteria provided, multiple submitters, no conflicts (2 of 4 stars). 3 submissions from 3 submitters: Uncertain significance (3). Last evaluated 2026-07-06.

Conditions:
Hereditary cancer-predisposing syndrome. Also called: Hereditary Cancer Syndrome; Neoplastic Syndromes, Hereditary; Hereditary neoplastic syndrome; Tumor predisposition. Identifiers: Orphanet 140162, MedGen C0027672, MeSH D009386, MONDO:0015356.
Retinoblastoma (RB1). Also called: RETINOBLASTOMA, SOMATIC. Identifiers: Orphanet 790, MedGen C0035335, MeSH D012175, MONDO:0008380, OMIM 180200, HP:0009919. Disease mechanism: loss of function. Inheritance: Both sporadic and heritable forms are tested..

Allele frequency attached by ClinVar (database versions not stated): gnomAD exomes below 0.00001.
gnomAD v4.1: 2 of 1,614,202 alleles (0.00012%); highest among the groups gnomAD compares: Non-Finnish European, 0.00017%; no homozygotes.

Submissions (3):

Ambry Genetics
Classification: Uncertain significance for Hereditary cancer-predisposing syndrome. Last evaluated: 2026-07-06. Review status: criteria provided, single submitter. Criteria: Ambry Variant Classification Scheme 2023. Collection method: clinical testing. Allele origin: germline.
Comment: The p.L647P variant (also known as c.1940T>C), located in coding exon 19 of the RB1 gene, results from a T to C substitution at nucleotide position 1940. The leucine at codon 647 is replaced by proline, an amino acid with similar properties. This amino acid position is highly conserved in available vertebrate species. In addition, this alteration is predicted to be deleterious by in silico analysis. Based on the available evidence, the clinical significance of this variant remains unclear.

Labcorp Genetics (formerly Invitae), Labcorp
Classification: Uncertain significance for Retinoblastoma. Last evaluated: 2025-10-23. Review status: criteria provided, single submitter. Criteria: Invitae Variant Classification Sherloc (09022015). Collection method: clinical testing. Allele origin: germline.
Comment: This sequence change replaces leucine, which is neutral and non-polar, with proline, which is neutral and non-polar, at codon 647 of the RB1 protein (p.Leu647Pro). This variant is not present in population databases (gnomAD no frequency). This variant has not been reported in the literature in individuals affected with RB1-related conditions. ClinVar contains an entry for this variant (Variation ID: 1347362). Invitae Evidence Modeling of protein sequence and biophysical properties (such as structural, functional, and spatial information, amino acid conservation, physicochemical variation, residue mobility, and thermodynamic stability) indicates that this missense variant is expected to disrupt RB1 protein function with a positive predictive value of 80%. In summary, the available evidence is currently insufficient to determine the role of this variant in disease. Therefore, it has been classified as a Variant of Uncertain Significance.

GeneDx
Classification: Uncertain significance. Last evaluated: 2025-06-11. Review status: criteria provided, single submitter. Criteria: GeneDx Variant Classification Process June 2021. Collection method: clinical testing. Allele origin: germline. Affected: yes.
Comment: Not observed at significant frequency in large population cohorts (gnomAD); In silico analysis supports that this missense variant has a deleterious effect on protein structure/function; Has not been previously published as pathogenic or benign to our knowledge; This variant is associated with the following publications: (PMID: 23516486)